The following is an entry in ClinVar:

ClinVar aggregate classification (germline): Likely benign (1 of 4 stars; one submission).

Conditions:
Hereditary diffuse gastric adenocarcinoma (HDGC). Also called: DIFFUSE GASTRIC AND LOBULAR BREAST CANCER SYNDROME. Identifiers: Orphanet 26106, MedGen C1708349, MONDO:0007648, OMIM 137215.

Submission:

Myriad Genetics, Inc.
Classification: Likely benign for Hereditary diffuse gastric adenocarcinoma. Last evaluated: 2024-09-18. Review status: criteria provided, single submitter. Criteria: Myriad Autosomal Dominant, Autosomal Recessive and X-Linked Classification Criteria (2023). Collection method: clinical testing. Allele origin: unknown.
Comment: This variant is considered likely benign. This variant is intronic and is not expected to impact mRNA splicing.

NM_004360.5(CDH1):c.1138-18C>T

Gene: CDH1 (cadherin 1; plus strand). Cytogenetic location: 16q22.1.
Variant type: single nucleotide variant.
Coding change: c.1138-18C>T on transcript NM_004360.5 (MANE Select); 18 bases into the intron before coding-DNA position 1138, C replaced by T.
Molecular consequence: intron variant.
Genome position (GRCh38, 1-based): chr16:68,813,295, C>T. VCF-style: chr16-68813295-C-T. GRCh37 (hg19) VCF-style: chr16-68847198-C-T.
Other names: c.-478-18C>T (NM_001317185.2); c.-682-18C>T (NM_001317186.2); c.1137+1032C>T (NM_001317184.2).
Identifiers: ClinVar variation 3379039 (VCV003379039.1).
Genomic context (GRCh38, chr16:68,813,295, plus strand): 5'-GAATCCTTTAGCCCCCTGAGACTCAGCTCTGCTAGCAGTCTTGGTACTTTGTAAATGACA[C>T]ATCTCTTTGCTCTGCAGTACAAGGGTCAGGTGCCTGAGAACGAGGCTAACGTCGTAATCA-3'